The following is an entry in ClinVar:

ClinVar aggregate classification (germline): Uncertain significance (1 of 4 stars; one submission).

gnomAD v4.1: 1 of 1,609,038 alleles (0.000062%); highest among the groups gnomAD compares: African/African-American, 0.0013%; no homozygotes.

Submission:

Labcorp Genetics (formerly Invitae), Labcorp
Classification: Uncertain significance. Last evaluated: 2025-07-20. Review status: criteria provided, single submitter. Criteria: Invitae Variant Classification Sherloc (09022015). Collection method: clinical testing. Allele origin: germline.
Comment: This sequence change replaces arginine, which is basic and polar, with cysteine, which is neutral and slightly polar, at codon 318 of the TBXA2R protein (p.Arg318Cys). This variant is not present in population databases (gnomAD no frequency). This variant has not been reported in the literature in individuals affected with TBXA2R-related conditions. Invitae Evidence Modeling of protein sequence and biophysical properties (such as structural, functional, and spatial information, amino acid conservation, physicochemical variation, residue mobility, and thermodynamic stability) has been performed for this missense variant. However, the output from this modeling did not meet the statistical confidence thresholds required to predict the impact of this variant on TBXA2R protein function. In summary, the available evidence is currently insufficient to determine the role of this variant in disease. Therefore, it has been classified as a Variant of Uncertain Significance.

NM_001060.6(TBXA2R):c.952C>T (p.Arg318Cys)

Gene: TBXA2R (thromboxane A2 receptor; minus strand). Cytogenetic location: 19p13.3.
Variant type: single nucleotide variant.
Coding change: c.952C>T on transcript NM_001060.6 (MANE Select); coding-DNA position 952, C replaced by T.
Protein change: p.Arg318Cys; replaces arginine 318 with cysteine.
Molecular consequence: missense variant.
Genome position (GRCh38, 1-based): chr19:3,595,768, G>A on the plus strand (C>T on the coding strand, the complement: TBXA2R is on the minus strand). VCF-style: chr19-3595768-G-A. GRCh37 (hg19) VCF-style: chr19-3595766-G-A.
Other names: c.952C>T, p.Arg318Cys (NM_201636.3); short protein forms R318C.
Identifiers: ClinVar variation 4704533 (VCV004704533.1).
Genomic context (GRCh38, chr19:3,595,768, plus strand): 5'-GCGTGAGCTGGGGCTGGAGGGACAGCGACCTGGGCCGGGTGCTGAGGCGAGGCTGGAGAC[G>A]CCGGAGCACGGCGCGGCGGAACAGGATATACACCCAGGGGTCCAGGATCTGGTTCCAGGT-3'
Protein context (NP_001051.1, residues 308-328): YILFRRAVLR[Arg318Cys]LQPRLSTRPR